The following is an entry in ClinVar:

ClinVar aggregate classification (germline): Uncertain significance (1 of 4 stars; one submission).

Conditions:
Hereditary cancer-predisposing syndrome. Also called: Hereditary Cancer Syndrome; Neoplastic Syndromes, Hereditary; Tumor predisposition; Hereditary neoplastic syndrome. Identifiers: Orphanet 140162, MedGen C0027672, MeSH D009386, MONDO:0015356.

Submission:

Ambry Genetics
Classification: Uncertain significance for Hereditary cancer-predisposing syndrome. Last evaluated: 2020-03-09. Review status: criteria provided, single submitter. Criteria: Ambry Variant Classification Scheme 2023. Collection method: clinical testing. Allele origin: germline.
Comment: The p.K179E variant (also known as c.535A>G), located in coding exon 3 of the CHEK2 gene, results from an A to G substitution at nucleotide position 535. The lysine at codon 179 is replaced by glutamic acid, an amino acid with similar properties. This amino acid position is not well conserved in available vertebrate species. In addition, the in silico prediction for this alteration is inconclusive. Since supporting evidence is limited at this time, the clinical significance of this alteration remains unclear.

NM_007194.4(CHEK2):c.535A>G (p.Lys179Glu)

Gene: CHEK2 (checkpoint kinase 2; minus strand). Cytogenetic location: 22q12.1.
Variant type: single nucleotide variant.
Coding change: c.535A>G on transcript NM_007194.4 (MANE Select); coding-DNA position 535, A replaced by G.
Protein change: p.Lys179Glu; replaces lysine 179 with glutamic acid.
Molecular consequence: missense variant. On other transcripts: 5 prime UTR variant (2), intron variant (1).
Genome position (GRCh38, 1-based): chr22:28,725,034, T>C on the plus strand (A>G on the coding strand, the complement: CHEK2 is on the minus strand). VCF-style: chr22-28725034-T-C. GRCh37 (hg19) VCF-style: chr22-29121022-T-C.
Other names: c.664A>G, p.Lys222Glu (NM_001005735.3, NM_001438294.1); c.-243A>G (NM_001257387.3); c.-129A>G (NM_001437942.1); c.628A>G, p.Lys210Glu (NM_001438293.1, NM_001438295.1); c.535A>G, p.Lys179Glu (NM_145862.3); c.445-111A>G (NM_001349956.3); short protein forms K179E, K222E, K210E.
Identifiers: ClinVar variation 1747046 (VCV001747046.2), dbSNP rs2146058742, ClinGen allele CA411107238.